The following is an entry in ClinVar:

ClinVar aggregate classification (germline): Uncertain significance (1 of 4 stars; one submission).

Conditions:
Alpha thalassemia-X-linked intellectual disability syndrome (ATRX). Also called: Alpha thalassemia mental retardation syndrome, nondeletion type, X-linked; XLMR hypotonic face syndrome; ALPHA-THALASSEMIA/MENTAL RETARDATION SYNDROME, X-LINKED; ATR, NONDELETION TYPE; ATR-X syndrome; X-linked alpha-thalassemia-mental retardation syndrome. Identifiers: Orphanet 847, MedGen C1845055, MONDO:0010519, OMIM 301040.
Intellectual disability-hypotonic facies syndrome, X-linked, 1 (MRXHF1). Also called: Smith Fineman Myers syndrome 1; X-linked intellectual disability-hypotonic face syndrome; XLMR-HYPOTONIC FACIES SYNDROME; Chudley-Lowry-Hoar syndrome; Carpenter-Waziri syndrome; CHUDLEY-LOWRY SYNDROME. Identifiers: Orphanet 73220, Orphanet 93970, Orphanet 93971, Orphanet 93972, Orphanet 93973, Orphanet 93974, Orphanet 93975, MedGen C4759781, MONDO:0010663, OMIM 309580.
Acquired hemoglobin H disease (ATMDS). Also called: Alpha-thalassemia-myelodysplastic syndrome; Alpha-thalassemia myelodysplasia syndrome; Alpha-thalassemia myelodysplasia syndrome, somatic. Identifiers: Orphanet 231401, MedGen C0585216, MONDO:0010328, OMIM 300448.

Allele frequency attached by ClinVar (database versions not stated): ExAC 0.00001.

Submission:

Center for Genomics, Ann and Robert H. Lurie Children's Hospital of Chicago
Classification: Uncertain significance for Alpha thalassemia-X-linked intellectual disability syndrome; Acquired hemoglobin H disease; Intellectual disability-hypotonic facies syndrome, X-linked, 1. Review status: criteria provided, single submitter. Criteria: ACMG Guidelines, 2015. Collection method: clinical testing. Allele origin: germline.
Comment: This variant has not been reported in the literature but is present in the Genome Aggregation Database as 1 hemizygote (Highest reported MAF 0.001% (1/81226). Evolutionary conservation and computational predictive tools for this variant are unclear. In summary, data on this variant is insufficient for disease classification. Therefore, the clinical significance of this variant is uncertain.

NM_000489.6(ATRX):c.2360G>C (p.Gly787Ala)

Gene: ATRX (ATRX chromatin remodeler; minus strand). Cytogenetic location: Xq21.1.
Variant type: single nucleotide variant.
Coding change: c.2360G>C on transcript NM_000489.6 (MANE Select); coding-DNA position 2360, G replaced by C.
Protein change: p.Gly787Ala; replaces glycine 787 with alanine.
Molecular consequence: missense variant.
Genome position (GRCh38, 1-based): chrX:77,682,896, C>G on the plus strand (G>C on the coding strand, the complement: ATRX is on the minus strand). VCF-style: chrX-77682896-C-G. GRCh37 (hg19) VCF-style: chrX-76938388-C-G.
Other names: c.2246G>C, p.Gly749Ala (NM_138270.5); short protein forms G749A, G787A.
Identifiers: ClinVar variation 2500069 (VCV002500069.2), dbSNP rs782013359, ClinGen allele CA10458094.